The following is an entry in ClinVar:

ClinVar aggregate classification (germline): Pathogenic (1 of 4 stars; one submission).

Conditions:
Hereditary spastic paraplegia 11. Also called: SPASTIC PARAPLEGIA, AUTOSOMAL RECESSIVE, COMPLICATED, WITH THIN CORPUS CALLOSUM; SPASTIC PARAPLEGIA, AUTOSOMAL RECESSIVE, WITH MENTAL IMPAIRMENT AND THIN CORPUS CALLOSUM; Spastic Paraplegia 11; Spastic paraplegia, mental retardation and thin corpus callosum; Nakamura Osame syndrome; Autosomal recessive hereditary spastic paraplegia, mental impairment, and thin corpus callosum. Identifiers: Orphanet 2822, MedGen C1858479, MONDO:0011445, OMIM 604360.

Submission:

Labcorp Genetics (formerly Invitae), Labcorp
Classification: Pathogenic for Hereditary spastic paraplegia 11. Last evaluated: 2023-11-24. Review status: criteria provided, single submitter. Criteria: Invitae Variant Classification Sherloc (09022015). Collection method: clinical testing. Allele origin: germline.
Comment: This sequence change creates a premature translational stop signal (p.Glu667*) in the SPG11 gene. It is expected to result in an absent or disrupted protein product. Loss-of-function variants in SPG11 are known to be pathogenic (PMID: 19105190, 20110243, 22154821, 26556829). This variant is not present in population databases (gnomAD no frequency). This variant has not been reported in the literature in individuals affected with SPG11-related conditions. For these reasons, this variant has been classified as Pathogenic.

Literature cited by the submitters: PubMed 19105190; PubMed 20110243; PubMed 22154821; PubMed 26556829.

NM_025137.4(SPG11):c.1999G>T (p.Glu667Ter)

Gene: SPG11 (SPG11 vesicle trafficking associated, spatacsin; minus strand). Cytogenetic location: 15q21.1.
Variant type: single nucleotide variant.
Coding change: c.1999G>T on transcript NM_025137.4 (MANE Select); coding-DNA position 1999, G replaced by T.
Protein change: p.Glu667Ter; replaces glutamic acid 667 with a stop codon.
Molecular consequence: nonsense.
Genome position (GRCh38, 1-based): chr15:44,628,737, C>A on the plus strand (G>T on the coding strand, the complement: SPG11 is on the minus strand). VCF-style: chr15-44628737-C-A. GRCh37 (hg19) VCF-style: chr15-44920935-C-A.
Other names: c.1999G>T, p.Glu667Ter (NM_001160227.2, NM_001411132.1); short protein forms E667*.
Identifiers: ClinVar variation 2698643 (VCV002698643.3), dbSNP rs2505596751, ClinGen allele CA392234201.
Genomic context (GRCh38, chr15:44,628,737, plus strand): 5'-TGAGTTTCTTCCATATATTGCTCTCCTTTACTTTGGGGACATTTTCATGTACATCATATT[C>A]ATCTATAGCATCTGTTAGCTTCCAAGGAAACTTTATCATGAAGGTTCGAAGTTCATTAAT-3'